The following is an entry in ClinVar:

ClinVar aggregate classification (germline): Uncertain significance. Review status: criteria provided, multiple submitters, no conflicts (2 of 4 stars). 2 submissions from 2 submitters: Uncertain significance (2). Last evaluated 2022-06-27.

Conditions:
Pierson syndrome. Also called: MICROCORIA-CONGENITAL NEPHROTIC SYNDROME. Identifiers: Orphanet 2670, MedGen C1836876, MONDO:0012184, OMIM 609049.
LAMB2-related infantile-onset nephrotic syndrome. Also called: NEPHROTIC SYNDROME, TYPE 5, WITHOUT OCULAR ABNORMALITIES; NEPHROTIC SYNDROME, TYPE 5, WITH OCULAR ABNORMALITIES; Nephrotic Syndrome, type 5. Identifiers: Orphanet 306507, MedGen C3280113, MONDO:0013621, OMIM 614199.

Submissions (2):

Labcorp Genetics (formerly Invitae), Labcorp
Classification: Uncertain significance for LAMB2-related infantile-onset nephrotic syndrome; Pierson syndrome. Last evaluated: 2022-06-27. Review status: criteria provided, single submitter. Criteria: Invitae Variant Classification Sherloc (09022015). Collection method: clinical testing. Allele origin: germline.
Comment: This sequence change replaces alanine, which is neutral and non-polar, with threonine, which is neutral and polar, at codon 764 of the LAMB2 protein (p.Ala764Thr). This variant is not present in population databases (gnomAD no frequency). This variant has not been reported in the literature in individuals affected with LAMB2-related conditions. Algorithms developed to predict the effect of missense changes on protein structure and function output the following: SIFT: "Tolerated"; PolyPhen-2: "Benign"; Align-GVGD: "Class C0". The threonine amino acid residue is found in multiple mammalian species, which suggests that this missense change does not adversely affect protein function. In summary, the available evidence is currently insufficient to determine the role of this variant in disease. Therefore, it has been classified as a Variant of Uncertain Significance.

Fulgent Genetics
Classification: Uncertain significance for Pierson syndrome; LAMB2-related infantile-onset nephrotic syndrome. Last evaluated: 2022-02-17. Review status: criteria provided, single submitter. Criteria: ACMG Guidelines, 2015. Collection method: clinical testing. Allele origin: unknown.

NM_002292.4(LAMB2):c.2290G>A (p.Ala764Thr)

Gene: LAMB2 (laminin subunit beta 2; minus strand). Cytogenetic location: 3p21.31.
Variant type: single nucleotide variant.
Coding change: c.2290G>A on transcript NM_002292.4 (MANE Select); coding-DNA position 2290, G replaced by A.
Protein change: p.Ala764Thr; replaces alanine 764 with threonine.
Molecular consequence: missense variant.
Genome position (GRCh38, 1-based): chr3:49,126,021, C>T on the plus strand (G>A on the coding strand, the complement: LAMB2 is on the minus strand). VCF-style: chr3-49126021-C-T. GRCh37 (hg19) VCF-style: chr3-49163454-C-T.
Other names: short protein forms A764T.
Identifiers: ClinVar variation 1462051 (VCV001462051.7), dbSNP rs1481245527, ClinGen allele CA352725528.